The following is an entry in ClinVar:

NM_001966.4(EHHADH):c.628G>A (p.Asp210Asn)

Gene: EHHADH (enoyl-CoA hydratase and 3-hydroxyacyl CoA dehydrogenase; minus strand). Cytogenetic location: 3q27.2.
Variant type: single nucleotide variant.
Coding change: c.628G>A on transcript NM_001966.4 (MANE Select); coding-DNA position 628, G replaced by A.
Protein change: p.Asp210Asn; replaces aspartic acid 210 with asparagine.
Molecular consequence: missense variant.
Genome position (GRCh38, 1-based): chr3:185,204,698, C>T on the plus strand (G>A on the coding strand, the complement: EHHADH is on the minus strand). VCF-style: chr3-185204698-C-T. GRCh37 (hg19) VCF-style: chr3-184922486-C-T.
Other names: c.340G>A, p.Asp114Asn (NM_001166415.2); short protein forms D114N, D210N.
Identifiers: ClinVar variation 4995314 (VCV004995314.1).
Genomic context (GRCh38, chr3:185,204,698, plus strand): 5'-GTGCAAGACACCCAGGGTGCTGCCTCCGCATCTTCAAGAGGGCCTCACTAAAAATGCTGT[C>T]CATGTTGGGCAAGCTCTGAATTGGCTTGTTGCAGAGTCTACGGGATTCTAGAGGTTGATC-3'
Protein context (NP_001957.2, residues 200-220): NKPIQSLPNM[Asp210Asn]SIFSEALLKM

ClinVar aggregate classification (germline): Uncertain significance (1 of 4 stars; one submission).

Conditions:
EHHADH-related disorder. Also called: EHHADH-related condition.

Submission:

PreventionGenetics, part of Exact Sciences
Classification: Uncertain significance for EHHADH-related condition. Last evaluated: 2025-10-01. Review status: criteria provided, single submitter. Criteria: ACMG Guidelines, 2015. Collection method: clinical testing. Allele origin: germline.
Comment: The EHHADH c.628G>A variant is predicted to result in the amino acid substitution p.Asp210Asn. To our knowledge, this variant has not been reported in the literature or in a large population database (gnomAD), indicating this variant is rare. At this time, the clinical significance of this variant is uncertain due to the absence of conclusive functional and genetic evidence.